The following is an entry in ClinVar:

ClinVar aggregate classification (germline): Pathogenic (1 of 4 stars; one submission).

Conditions:
Usher syndrome type 1 (USH1). Also called: RETINITIS PIGMENTOSA AND CONGENITAL DEAFNESS. Identifiers: Orphanet 231169, Orphanet 886, MedGen C1568247, MONDO:0010168, OMIM 276900.

Submission:

Myriad Genetics, Inc.
Classification: Pathogenic for Usher syndrome type 1. Last evaluated: 2025-11-10. Review status: criteria provided, single submitter. Criteria: Myriad Autosomal Dominant, Autosomal Recessive and X-Linked Classification Criteria (2023). Collection method: clinical testing. Allele origin: unknown.
Comment: NM_000260.3(MYO7A):c.687dupC(A230Rfs*4) is expected to be pathogenic in the context of MYO7A-related disorders. This variant is predicted to lead to an abnormal or absent protein product due to the creation of a premature termination codon in MYO7A, a gene where loss-of-function variants are known to be pathogenic. Please note: this variant was assessed in the context of healthy population screening.

NM_000260.4(MYO7A):c.687dup (p.Ala230fs)

Gene: MYO7A (myosin VIIA; plus strand). Cytogenetic location: 11q13.5.
Variant type: Duplication.
Coding change: c.687dup on transcript NM_000260.4 (MANE Select); coding-DNA position 687, one base duplicated (C; older notation c.687dupC).
Protein change: p.Ala230fs; shifts the reading frame from alanine 230.
Molecular consequence: frameshift variant.
Genome position (GRCh38, 1-based): chr11:77,156,956, C duplicated. VCF-style (leftmost placement, unchanged base first): chr11-77156955-G-GC. GRCh37 (hg19) VCF-style: chr11-76868001-G-GC.
Other names: c.687dup, p.Ala230fs (NM_001127180.2); c.654dup, p.Ala219fs (NM_001369365.1); short protein forms A219fs, A230fs.
Identifiers: ClinVar variation 5015193 (VCV005015193.1).